The following is an entry in ClinVar:

NM_006182.4(DDR2):c.1516G>A (p.Val506Ile)

Gene: DDR2 (discoidin domain receptor tyrosine kinase 2; plus strand). Cytogenetic location: 1q23.3.
Variant type: single nucleotide variant.
Coding change: c.1516G>A on transcript NM_006182.4 (MANE Select); coding-DNA position 1516, G replaced by A.
Protein change: p.Val506Ile; replaces valine 506 with isoleucine.
Molecular consequence: missense variant.
Genome position (GRCh38, 1-based): chr1:162,772,035, G>A. VCF-style: chr1-162772035-G-A. GRCh37 (hg19) VCF-style: chr1-162741825-G-A.
Other names: c.1516G>A, p.Val506Ile (NM_001014796.3, NM_001354982.2, NM_001354983.2); short protein forms V506I.
Identifiers: ClinVar variation 4698410 (VCV004698410.1).

ClinVar aggregate classification (germline): Uncertain significance (1 of 4 stars; one submission).

gnomAD v4.1: 12 of 1,608,498 alleles (0.00075%); highest among the groups gnomAD compares: South Asian, 0.0011%; no homozygotes.

Submission:

Labcorp Genetics (formerly Invitae), Labcorp
Classification: Uncertain significance. Last evaluated: 2025-06-25. Review status: criteria provided, single submitter. Criteria: Invitae Variant Classification Sherloc (09022015). Collection method: clinical testing. Allele origin: germline.
Comment: This sequence change replaces valine, which is neutral and non-polar, with isoleucine, which is neutral and non-polar, at codon 506 of the DDR2 protein (p.Val506Ile). The frequency data for this variant in the population databases is considered unreliable, as metrics indicate poor data quality at this position in the gnomAD database. This variant has not been reported in the literature in individuals affected with DDR2-related conditions. An algorithm developed to predict the effect of missense changes on protein structure and function outputs the following: PolyPhen-2: "Benign". The isoleucine amino acid residue is found in multiple mammalian species, which suggests that this missense change does not adversely affect protein function. In summary, the available evidence is currently insufficient to determine the role of this variant in disease. Therefore, it has been classified as a Variant of Uncertain Significance.